The following is an entry in ClinVar:

ClinVar aggregate classification (germline): Benign/Likely benign. Review status: criteria provided, multiple submitters, no conflicts (2 of 4 stars). 6 submissions from 6 submitters: Benign (2); Likely benign (3). 1 of the submissions does not count toward it. Last evaluated 2026-02-04.

Conditions:
Peroxisome biogenesis disorder 13A (Zellweger). Also called: Peroxisome biogenesis disorder 13A. Identifiers: Orphanet 912, MedGen C3554004, MONDO:0013952, OMIM 614887.
Peroxisome biogenesis disorder, complementation group K (CGK). Identifiers: MedGen C1866257, MONDO:0800365.

Allele frequency attached by ClinVar (database versions not stated): 1000 Genomes Project 30x 0.00547; 1000 Genomes Project 0.00579; gnomAD 0.01038 and 0.01070; TOPMed 0.01060; gnomAD exomes 0.01111 and 0.01500; ExAC 0.01240; ESP Exome Variant Server 0.01346.
gnomAD v4.1: 23,271 of 1,613,660 alleles (1.4%); highest among the groups gnomAD compares: Non-Finnish European, 1.8%; 193 homozygotes.

Submissions (6):

Labcorp Genetics (formerly Invitae), Labcorp
Classification: Benign for Peroxisome biogenesis disorder, complementation group K. Last evaluated: 2026-02-04. Review status: criteria provided, single submitter. Criteria: Invitae Variant Classification Sherloc (09022015). Collection method: clinical testing. Allele origin: germline.

GeneDx
Classification: Likely benign. Last evaluated: 2021-10-11. Review status: criteria provided, single submitter. Criteria: GeneDx Variant Classification Process June 2021. Collection method: clinical testing. Allele origin: germline. Affected: yes.

Illumina Laboratory Services, Illumina
Classification: Likely benign for Peroxisome biogenesis disorder 13A (Zellweger). Last evaluated: 2018-01-12. Review status: criteria provided, single submitter. Criteria: ICSL Variant Classification Criteria 13 December 2019. Collection method: clinical testing. Allele origin: germline.
Comment: This variant was observed in the ICSL laboratory as part of a predisposition screen in an ostensibly healthy population. It had not been previously curated by ICSL or reported in the Human Gene Mutation Database (HGMD: prior to June 1st, 2018), and was therefore a candidate for classification through an automated scoring system. Utilizing variant allele frequency, disease prevalence and penetrance estimates, and inheritance mode, an automated score was calculated to assess if this variant is too frequent to cause the disease. Based on the score and internal cut-off values, a variant classified as likely benign is not then subjected to further curation. The score for this variant resulted in a classification of likely benign for this disease.

Breakthrough Genomics
Classification: Likely benign. Review status: criteria provided, single submitter. Criteria: ACMG Guidelines, 2015. Collection method: not provided. Allele origin: germline. Inheritance: Autosomal recessive inheritance. Affected: yes.

PreventionGenetics, part of Exact Sciences
Classification: Benign. Review status: criteria provided, single submitter. Criteria: ACMG Guidelines, 2015. Collection method: clinical testing. Allele origin: germline.

Mayo Clinic Laboratories, Mayo Clinic
Classification: Likely benign. Last evaluated: 2017-10-03. Review status: no assertion criteria provided. Collection method: clinical testing. Allele origin: unknown. Not counted in ClinVar's aggregate classification.

NM_004565.3(PEX14):c.768G>A (p.Val256=)

Gene: PEX14 (peroxisomal biogenesis factor 14; plus strand). Cytogenetic location: 1p36.22.
Variant type: single nucleotide variant.
Coding change: c.768G>A on transcript NM_004565.3 (MANE Select); coding-DNA position 768, G replaced by A.
Protein change: p.Val256=; no amino-acid change (valine 256 retained).
Molecular consequence: synonymous variant.
Genome position (GRCh38, 1-based): chr1:10,629,621, G>A. VCF-style: chr1-10629621-G-A. GRCh37 (hg19) VCF-style: chr1-10689678-G-A.
Identifiers: ClinVar variation 259437 (VCV000259437.22), dbSNP rs36083022, ClinGen allele CA583965.